The following is an entry in ClinVar:

NM_005477.3(HCN4):c.2828C>A (p.Pro943His)

Gene: HCN4 (hyperpolarization activated cyclic nucleotide gated potassium channel 4; minus strand). Cytogenetic location: 15q24.1.
Variant type: single nucleotide variant.
Coding change: c.2828C>A on transcript NM_005477.3 (MANE Select); coding-DNA position 2828, C replaced by A.
Protein change: p.Pro943His; replaces proline 943 with histidine.
Molecular consequence: missense variant.
Genome position (GRCh38, 1-based): chr15:73,323,265, G>T on the plus strand (C>A on the coding strand, the complement: HCN4 is on the minus strand). VCF-style: chr15-73323265-G-T. GRCh37 (hg19) VCF-style: chr15-73615606-G-T.
Other names: short protein forms P943H.
Identifiers: ClinVar variation 841951 (VCV000841951.13), dbSNP rs1455977664, ClinGen allele CA393087387.

ClinVar aggregate classification (germline): Uncertain significance. Review status: criteria provided, multiple submitters, no conflicts (2 of 4 stars). 2 submissions from 2 submitters: Uncertain significance (2). Last evaluated 2025-03-04.

Conditions:
Brugada syndrome 8 (BRGDA8). Identifiers: Orphanet 130, MedGen C2751083, MONDO:0013148, OMIM 613123.
Cardiovascular phenotype. Identifiers: MedGen CN230736.

Allele frequency attached by ClinVar (database versions not stated): gnomAD exomes 0.00001.
gnomAD v4.1: 1 of 1,528,868 alleles (0.000065%); highest among the groups gnomAD compares: African/African-American, 0.0014%; no homozygotes.

Submissions (2):

Ambry Genetics
Classification: Uncertain significance for Cardiovascular phenotype. Last evaluated: 2025-03-04. Review status: criteria provided, single submitter. Criteria: Ambry Variant Classification Scheme 2023. Collection method: clinical testing. Allele origin: germline.

Labcorp Genetics (formerly Invitae), Labcorp
Classification: Uncertain significance for Brugada syndrome 8. Last evaluated: 2019-12-12. Review status: criteria provided, single submitter. Criteria: Invitae Variant Classification Sherloc (09022015). Collection method: clinical testing. Allele origin: germline.
Comment: In summary, the available evidence is currently insufficient to determine the role of this variant in disease. Therefore, it has been classified as a Variant of Uncertain Significance. This variant has not been reported in the literature in individuals with HCN4-related conditions. The frequency data for this variant in the population databases is considered unreliable, as metrics indicate insufficient coverage at this position in the ExAC database. This sequence change replaces proline with histidine at codon 943 of the HCN4 protein (p.Pro943His). The proline residue is highly conserved and there is a moderate physicochemical difference between proline and histidine.